The following is an entry in ClinVar:

ClinVar aggregate classification (germline): Uncertain significance (1 of 4 stars; one submission).

Conditions:
Developmental and epileptic encephalopathy, 53. Also called: Epileptic encephalopathy, early infantile, 53. Identifiers: MedGen C4479313, MONDO:0033362, OMIM 617389.
Early-onset Parkinson disease 20. Also called: PARKINSON DISEASE 20, AUTOSOMAL RECESSIVE EARLY-ONSET. Identifiers: Orphanet 391411, MedGen C3809824, MONDO:0014233, OMIM 615530.

Submission:

Labcorp Genetics (formerly Invitae), Labcorp
Classification: Uncertain significance for Developmental and epileptic encephalopathy, 53; Early-onset Parkinson disease 20. Last evaluated: 2020-10-29. Review status: criteria provided, single submitter. Criteria: Invitae Variant Classification Sherloc (09022015). Collection method: clinical testing. Allele origin: germline.
Comment: This variant results in a copy number gain of the genomic region encompassing the full coding sequence of the SYNJ1 gene. The boundaries of this event are unknown as they extend beyond the assayed region for this gene and therefore may encompass additional genes. As the precise location of this event is unknown, it may be in tandem or it may be located elsewhere in the genome. This variant has not been reported in the literature in individuals with SYNJ1-related disease. Experimental studies and prediction algorithms are not available for this variant, and the functional significance of a SYNJ1 whole-gene copy number gain is currently unknown. In summary, the available evidence is currently insufficient to determine the role of this variant in disease. Therefore, it has been classified as a Variant of Uncertain Significance.

NC_000021.8:g.(?_32439271)_(37133458_?)dup

Genes: OLIG2 (oligodendrocyte transcription factor 2; plus strand), PAXBP1 (PAX3 and PAX7 binding protein 1; minus strand), TMEM50B (transmembrane protein 50B; minus strand), URB1 (URB1 ribosome biogenesis factor; minus strand), CFAP298 (cilia and flagella associated protein 298; minus strand) and 30 more. Cytogenetic location: 21q22.11-22.12.
Variant type: Duplication.
Identifiers: ClinVar variation 1035906 (VCV001035906.1).